The following is an entry in ClinVar:

NM_024312.5(GNPTAB):c.2010del (p.Glu672fs)

Gene: GNPTAB (N-acetylglucosamine-1-phosphate transferase subunits alpha and beta; minus strand). Cytogenetic location: 12q23.2.
Variant type: Deletion.
Coding change: c.2010del on transcript NM_024312.5 (MANE Select); coding-DNA position 2010, one base deleted (C; older notation c.2010delC).
Protein change: p.Glu672fs; shifts the reading frame from glutamic acid 672.
Molecular consequence: frameshift variant.
Genome position (GRCh38, 1-based): chr12:101,764,907, G deleted on the plus strand (C on the coding strand, the reverse complement: GNPTAB is on the minus strand); the first of 3 consecutive G bases (chr12:101,764,907-101,764,909); deleting any one gives the same sequence. VCF-style (leftmost placement, unchanged base first): chr12-101764906-TG-T. GRCh37 (hg19) VCF-style: chr12-102158684-TG-T.
Other names: short protein forms E672fs.
Identifiers: ClinVar variation 1725600 (VCV001725600.3), dbSNP rs2547957564, ClinGen allele CA2580085680.
Genomic context (GRCh38, chr12:101,764,906, plus strand): 5'-CCTGGGCTCTCCTTGTTGAGTTAACATCATGTCTCTTAAACTTCGGGAAGCGTTTTTCTT[TG>T]GGAATATCCTCAAAAAGGATTTCCGCCTCTGGAAGAAGTGTTATGGGACTAACTAAATTT-3'

ClinVar aggregate classification (germline): Likely pathogenic (1 of 4 stars; one submission).

Conditions:
GNPTAB-mucolipidosis. Also called: UDP-N-acetylglucosamine-1-phosphotransferase subunit alpha/beta deficiency. Identifiers: MedGen CN322573, MONDO:0100122.

Submission:

Myriad Genetics, Inc.
Classification: Likely pathogenic for GNPTAB-mucolipidosis. Last evaluated: 2021-12-04. Review status: criteria provided, single submitter. Criteria: Myriad Autosomal Dominant, Autosomal Recessive and X-Linked Classification Criteria (2023). Collection method: clinical testing. Allele origin: unknown.
Comment: NM_024312.4(GNPTAB):c.2010delC(E672Kfs*22) is expected to be pathogenic in the context of GNPTAB-related disorders. This variant is predicted to lead to an abnormal or absent protein product due to the creation of a premature termination codon in GNPTAB, a gene where loss-of-function variants are known to be pathogenic. Please note: this variant was assessed in the context of healthy population screening.